The following is an entry in ClinVar:

NM_022051.3(EGLN1):c.40A>T (p.Ser14Cys)

Gene: EGLN1 (egl-9 family hypoxia inducible factor 1; minus strand). Cytogenetic location: 1q42.2.
Variant type: single nucleotide variant.
Coding change: c.40A>T on transcript NM_022051.3 (MANE Select); coding-DNA position 40, A replaced by T.
Protein change: p.Ser14Cys; replaces serine 14 with cysteine.
Molecular consequence: missense variant.
Genome position (GRCh38, 1-based): chr1:231,421,849, T>A on the plus strand (A>T on the coding strand, the complement: EGLN1 is on the minus strand). VCF-style: chr1-231421849-T-A. GRCh37 (hg19) VCF-style: chr1-231557595-T-A.
Other names: c.40A>T, p.Ser14Cys (NM_001377260.1, NM_001377261.1); short protein forms S14C.
Identifiers: ClinVar variation 3274766 (VCV003274766.1).
Genomic context (GRCh38, chr1:231,421,849, plus strand): 5'-TGCAGCGCAGCAGGTTCTCCATCTTCCCGCACAGCTCGCAGTACTGCCGGTCTCGCTCGC[T>A]CGGGCTCGGCCCGCCGGGCCCGCCGCTGTCATTGGCCATGGCGGCGGCGGCGGCGGCGAC-3'
Protein context (NP_071334.1, residues 4-24): DSGGPGGPSP[Ser14Cys]ERDRQYCELC

ClinVar aggregate classification (germline): Uncertain significance (1 of 4 stars; one submission).

Submission:

Ambry Genetics
Classification: Uncertain significance. Last evaluated: 2024-05-29. Review status: criteria provided, single submitter. Criteria: Ambry Variant Classification Scheme 2023. Collection method: clinical testing. Allele origin: germline.
Comment: The p.S14C variant (also known as c.40A>T), located in coding exon 1 of the EGLN1 gene, results from an A to T substitution at nucleotide position 40. The serine at codon 14 is replaced by cysteine, an amino acid with dissimilar properties. This amino acid position is conserved. In addition, this alteration is predicted to be tolerated by in silico analysis. Based on the available evidence, the clinical significance of this variant remains unclear.